The following is an entry in ClinVar:

ClinVar aggregate classification (germline): Pathogenic/Likely pathogenic. Review status: criteria provided, multiple submitters, no conflicts (2 of 4 stars). 2 submissions from 2 submitters: Pathogenic (1); Likely pathogenic (1). Last evaluated 2022-12-21.

Conditions:
SHOX-related disorder. Also called: SHOX-related condition.

Submissions (2):

GeneDx
Classification: Pathogenic. Last evaluated: 2022-12-21. Review status: criteria provided, single submitter. Criteria: GeneDx Variant Classification Process June 2021. Collection method: clinical testing. Allele origin: germline. Affected: yes.
Comment: Nonsense variant predicted to result in protein truncation or nonsense mediated decay in a gene for which loss-of-function is a known mechanism of disease; Not observed at significant frequency in large population cohorts (gnomAD); Has not been previously published as pathogenic or benign to our knowledge

Blueprint Genetics
Classification: Likely pathogenic for SHOX-related disorders. Last evaluated: 2021-09-06. Review status: criteria provided, single submitter. Criteria: ACMG Guidelines, 2015. Collection method: clinical testing. Allele origin: germline. Affected: yes. Observed: 1 variant allele.

NM_000451.4(SHOX):c.391G>T (p.Glu131Ter)

Genes: SHOX (SHOX homeobox; plus strand), LOC107652445 (meiotic recombination hotspot SHOX; plus strand). Cytogenetic location: Xp22.33.
Variant type: single nucleotide variant.
Coding change: c.391G>T on transcript NM_000451.4 (MANE Select); coding-DNA position 391, G replaced by T.
Protein change: p.Glu131Ter; replaces glutamic acid 131 with a stop codon.
Molecular consequence: nonsense.
Genome position (GRCh38, 1-based): chrX:634,731, G>T. VCF-style: chrX-634731-G-T. GRCh37 (hg19) VCF-style: chrX-595466-G-T.
Other names: c.391G>T, p.Glu131Ter (NM_006883.2); short protein forms E131*.
Identifiers: ClinVar variation 1806609 (VCV001806609.2), dbSNP rs1297741376, ClinGen allele CA412231391.